The following is an entry in ClinVar:

NM_000059.4(BRCA2):c.4706A>G (p.Tyr1569Cys)

Gene: BRCA2 (BRCA2 DNA repair associated; plus strand). Cytogenetic location: 13q13.1.
Variant type: single nucleotide variant.
Coding change: c.4706A>G on transcript NM_000059.4 (MANE Select); coding-DNA position 4706, A replaced by G.
Protein change: p.Tyr1569Cys; replaces tyrosine 1569 with cysteine.
Molecular consequence: missense variant.
Genome position (GRCh38, 1-based): chr13:32,339,061, A>G. VCF-style: chr13-32339061-A-G. GRCh37 (hg19) VCF-style: chr13-32913198-A-G.
Other names: short protein forms Y1569C.
Identifiers: ClinVar variation 483124 (VCV000483124.7), dbSNP rs1555283910, ClinGen allele CA387782915.

ClinVar aggregate classification (germline): Conflicting classifications of pathogenicity. Review status: criteria provided, conflicting classifications (1 of 4 stars). 2 submissions from 2 submitters: Uncertain significance (1); Likely benign (1). Last evaluated 2023-03-23.

Conditions:
Hereditary cancer-predisposing syndrome. Also called: Neoplastic Syndromes, Hereditary; Tumor predisposition; Hereditary Cancer Syndrome; Hereditary neoplastic syndrome. Identifiers: Orphanet 140162, MedGen C0027672, MeSH D009386, MONDO:0015356.

Submissions (2):

University of Washington Department of Laboratory Medicine, University of Washington
Classification: Likely benign for Hereditary cancer-predisposing syndrome. Last evaluated: 2023-03-23. Review status: criteria provided, single submitter. Criteria: Dines et al. (Genet Med. 2020). Collection method: curation. Allele origin: germline.
Comment: Missense variant in a coldspot region where missense variants are very unlikely to be pathogenic (PMID:31911673).

BRCA2 exon 11 coldspot. Reclassification based on statistical prior probability.

Ambry Genetics
Classification: Uncertain significance for Hereditary cancer-predisposing syndrome. Last evaluated: 2017-08-03. Review status: criteria provided, single submitter. Criteria: Ambry Variant Classification Scheme 2023. Collection method: clinical testing. Allele origin: germline.
Comment: The p.Y1569C variant (also known as c.4706A>G), located in coding exon 10 of the BRCA2 gene, results from an A to G substitution at nucleotide position 4706. The tyrosine at codon 1569 is replaced by cysteine, an amino acid with highly dissimilar properties. This amino acid position is poorly conserved in available vertebrate species. In addition, this alteration is predicted to be tolerated by in silico analysis. Since supporting evidence is limited at this time, the clinical significance of this alteration remains unclear.